The following is an entry in ClinVar:

ClinVar aggregate classification (germline): Uncertain significance (1 of 4 stars; one submission).

Conditions:
MEGF10-related myopathy (CMYO10A). Also called: Congenital myopathy 10A, severe variant. Identifiers: Orphanet 439212, MedGen C3280679, MONDO:0013731, OMIM 614399.

gnomAD v4.1: 1 of 1,614,142 alleles (0.000062%); highest among the groups gnomAD compares: South Asian, 0.0011%; no homozygotes.

Submission:

Labcorp Genetics (formerly Invitae), Labcorp
Classification: Uncertain significance for MEGF10-related myopathy. Last evaluated: 2025-12-15. Review status: criteria provided, single submitter. Criteria: Invitae Variant Classification Sherloc (09022015). Collection method: clinical testing. Allele origin: germline.
Comment: This sequence change replaces proline, which is neutral and non-polar, with serine, which is neutral and polar, at codon 1108 of the MEGF10 protein (p.Pro1108Ser). This variant is not present in population databases (gnomAD no frequency). This variant has not been reported in the literature in individuals affected with MEGF10-related conditions. ClinVar contains an entry for this variant (Variation ID: 2149117). An algorithm developed to predict the effect of missense changes on protein structure and function (PolyPhen-2) suggests that this variant is likely to be disruptive. In summary, the available evidence is currently insufficient to determine the role of this variant in disease. Therefore, it has been classified as a Variant of Uncertain Significance.

NM_001256545.2(MEGF10):c.3322C>T (p.Pro1108Ser)

Gene: MEGF10 (multiple EGF like domains 10; plus strand). Cytogenetic location: 5q23.2.
Variant type: single nucleotide variant.
Coding change: c.3322C>T on transcript NM_001256545.2 (MANE Select); coding-DNA position 3322, C replaced by T.
Protein change: p.Pro1108Ser; replaces proline 1108 with serine.
Molecular consequence: missense variant.
Genome position (GRCh38, 1-based): chr5:127,457,217, C>T. VCF-style: chr5-127457217-C-T. GRCh37 (hg19) VCF-style: chr5-126792909-C-T.
Other names: c.3322C>T, p.Pro1108Ser (NM_032446.3); short protein forms P1108S.
Identifiers: ClinVar variation 2149117 (VCV002149117.4), dbSNP rs199899433, ClinGen allele CA360719809.